The following is an entry in ClinVar:

ClinVar aggregate classification (germline): Uncertain significance (1 of 4 stars; one submission).

Conditions:
Familial sleep-related hypermotor epilepsy. Also called: Autosomal Dominant Sleep-Related Hypermotor (Hyperkinetic) Epilepsy. Identifiers: Orphanet 98784, MedGen C3696898, MONDO:0000030.

Submission:

Labcorp Genetics (formerly Invitae), Labcorp
Classification: Uncertain significance. Last evaluated: 2022-08-23. Review status: criteria provided, single submitter. Criteria: Invitae Variant Classification Sherloc (09022015). Collection method: clinical testing. Allele origin: germline.
Comment: This variant is not present in population databases (gnomAD no frequency). In summary, the available evidence is currently insufficient to determine the role of this variant in disease. Therefore, it has been classified as a Variant of Uncertain Significance. This variant has not been reported in the literature in individuals affected with CHRNA2-related conditions. ClinVar contains an entry for this variant (Variation ID: 655280). Advanced modeling of protein sequence and biophysical properties (such as structural, functional, and spatial information, amino acid conservation, physicochemical variation, residue mobility, and thermodynamic stability) performed at Invitae indicates that this missense variant is not expected to disrupt CHRNA2 protein function. This sequence change replaces proline, which is neutral and non-polar, with leucine, which is neutral and non-polar, at codon 357 of the CHRNA2 protein (p.Pro357Leu).

NM_000742.4(CHRNA2):c.1070C>T (p.Pro357Leu)

Gene: CHRNA2 (cholinergic receptor nicotinic alpha 2 subunit; minus strand). Cytogenetic location: 8p21.2.
Variant type: single nucleotide variant.
Coding change: c.1070C>T on transcript NM_000742.4 (MANE Select); coding-DNA position 1070, C replaced by T.
Protein change: p.Pro357Leu; replaces proline 357 with leucine.
Molecular consequence: missense variant.
Genome position (GRCh38, 1-based): chr8:27,463,373, G>A on the plus strand (C>T on the coding strand, the complement: CHRNA2 is on the minus strand). VCF-style: chr8-27463373-G-A. GRCh37 (hg19) VCF-style: chr8-27320890-G-A.
Other names: c.1025C>T, p.Pro342Leu (NM_001282455.2); c.593C>T, p.Pro198Leu (NM_001347705.2, NM_001347706.2); c.476C>T, p.Pro159Leu (NM_001347707.2, NM_001347708.2); short protein forms P342L, P357L, P159L, P198L.
Identifiers: ClinVar variation 655280 (VCV000655280.5), dbSNP rs1586389806, ClinGen allele CA370809581.
Genomic context (GRCh38, chr8:27,463,373, plus strand): 5'-CACCGGGGCACACAGCCCAGAAGGGCCCCCCGCACCCAGTGGGGCATGGTGTGGGTGCTG[G>A]GGGAGCGGTGGTGCACATTGAGCACGAAGACGGTGATGACGATGGACAGGGTGACGAAGA-3'
Protein context (NP_000733.2, residues 347-367): VFVLNVHHRS[Pro357Leu]STHTMPHWVR